The following is an entry in ClinVar:

NM_138775.3(ALKBH8):c.1552C>T (p.Leu518Phe)

Gene: ALKBH8 (alkB homolog 8, tRNA methyltransferase; minus strand). Cytogenetic location: 11q22.3.
Variant type: single nucleotide variant.
Coding change: c.1552C>T on transcript NM_138775.3 (MANE Select); coding-DNA position 1552, C replaced by T.
Protein change: p.Leu518Phe; replaces leucine 518 with phenylalanine.
Molecular consequence: missense variant. On other transcripts: non-coding transcript variant (6).
Genome position (GRCh38, 1-based): chr11:107,505,101, G>A on the plus strand (C>T on the coding strand, the complement: ALKBH8 is on the minus strand). VCF-style: chr11-107505101-G-A. GRCh37 (hg19) VCF-style: chr11-107375827-G-A.
Other names: c.1552C>T, p.Leu518Phe (NM_001301010.3); c.1402C>T, p.Leu468Phe (NM_001378133.1); c.1561C>T (NM_001301010.1); short protein forms L518F, L468F.
Identifiers: ClinVar variation 2215634 (VCV002215634.4), dbSNP rs193041881, ClinGen allele CA6261014.

ClinVar aggregate classification (germline): Uncertain significance. Review status: criteria provided, single submitter (1 of 4 stars). 2 submissions from 2 submitters: Uncertain significance (1). 1 of the submissions does not count toward it. Last evaluated 2021-08-17.

Conditions:
ALKBH8-related disorder. Also called: ALKBH8-related condition.

Allele frequency attached by ClinVar (database versions not stated): gnomAD exomes 0.00009; 1000 Genomes Project 30x 0.00016; 1000 Genomes Project 0.00020; ExAC 0.00032; ESP Exome Variant Server 0.00066; TOPMed 0.00069; gnomAD 0.00072.

Submissions (2):

Ambry Genetics
Classification: Uncertain significance. Last evaluated: 2021-08-17. Review status: criteria provided, single submitter. Criteria: Ambry Variant Classification Scheme 2023. Collection method: clinical testing. Allele origin: germline.

PreventionGenetics, part of Exact Sciences
Classification: Likely benign for ALKBH8-related condition. Last evaluated: 2022-04-18. Review status: no assertion criteria provided. Collection method: clinical testing. Allele origin: germline. Not counted in ClinVar's aggregate classification.
Comment: This variant is classified as likely benign based on ACMG/AMP sequence variant interpretation guidelines (Richards et al. 2015 PMID: 25741868, with internal and published modifications).